The following is an entry in ClinVar:

ClinVar aggregate classification (germline): Uncertain significance (1 of 4 stars; one submission).

Conditions:
Combined oxidative phosphorylation defect type 27. Also called: Combined oxidative phosphorylation deficiency 27. Identifiers: Orphanet 477774, MedGen C5567608, MONDO:0014728, OMIM 616672.

Submission:

Labcorp Genetics (formerly Invitae), Labcorp
Classification: Uncertain significance for Combined oxidative phosphorylation defect type 27. Last evaluated: 2022-10-17. Review status: criteria provided, single submitter. Criteria: Invitae Variant Classification Sherloc (09022015). Collection method: clinical testing. Allele origin: germline.
Comment: In summary, the available evidence is currently insufficient to determine the role of this variant in disease. Therefore, it has been classified as a Variant of Uncertain Significance. Algorithms developed to predict the effect of sequence changes on RNA splicing suggest that this variant may disrupt the consensus splice site. ClinVar contains an entry for this variant (Variation ID: 1509238). This variant has not been reported in the literature in individuals affected with CARS2-related conditions. This variant is not present in population databases (gnomAD no frequency). This variant results in the deletion of part of exon 12 (c.1308_1317+5del) of the CARS2 gene. It is expected to disrupt RNA splicing. Variants that disrupt the donor or acceptor splice site typically lead to a loss of protein function (PMID: 16199547), however the current clinical and genetic evidence is not sufficient to establish whether loss-of-function variants in CARS2 cause disease.

Literature cited by the submitters: PubMed 16199547.

NM_024537.4(CARS2):c.1308_1317+5del

Gene: CARS2 (cysteinyl-tRNA synthetase 2, mitochondrial; minus strand). Cytogenetic location: 13q34.
Variant type: Deletion.
Coding change: c.1308_1317+5del on transcript NM_024537.4 (MANE Select); coding-DNA position 1308 through 5 bases into the intron after coding-DNA position 1317, 15 bases deleted (GTCCCTGAAGGTAGC).
Molecular consequence: splice donor variant.
Genome position (GRCh38, 1-based): chr13:110,645,962-110,645,976, GCTACCTTCAGGGAC deleted on the plus strand (GTCCCTGAAGGTAGC on the coding strand, the reverse complement: CARS2 is on the minus strand); deleting any 15 consecutive bases within chr13:110,645,962-110,645,978 gives the same sequence; the c. name uses the placement nearest the transcript's 3' end. VCF-style (leftmost placement, unchanged base first): chr13-110645961-AGCTACCTTCAGGGAC-A. GRCh37 (hg19) VCF-style: chr13-111298308-AGCTACCTTCAGGGAC-A.
Other names: c.522_531+5del (NM_001352252.2).
Identifiers: ClinVar variation 1509238 (VCV001509238.6), dbSNP rs2139679182, ClinGen allele CA2573149496.